The following is an entry in ClinVar:

ClinVar aggregate classification (germline): Likely pathogenic. Review status: criteria provided, multiple submitters, no conflicts (2 of 4 stars). 3 submissions from 3 submitters: Likely pathogenic (2). 1 of the submissions does not count toward it. Last evaluated 2025-10-21.

Conditions:
Early-infantile DEE. Also called: Early infantile epileptic encephalopathy; Ohtahara syndrome; Early infantile epileptic encephalopathy with suppression bursts. Identifiers: Orphanet 1934, MedGen C0393706, MONDO:0800491.
Generalized epilepsy with febrile seizures plus, type 2 (GEFSP2). Also called: GEFS+, TYPE 2. Identifiers: Orphanet 36387, MedGen C1858673, MONDO:0011461, OMIM 604403.

Allele frequency attached by ClinVar (database versions not stated): TOPMed below 0.00001; gnomAD 0.00001.
gnomAD v4.1: 3 of 1,613,734 alleles (0.00019%); highest among the groups gnomAD compares: Admixed American, 0.0017%; no homozygotes.

Submissions (3):

Labcorp Genetics (formerly Invitae), Labcorp
Classification: Likely pathogenic for Early-infantile DEE. Last evaluated: 2025-10-21. Review status: criteria provided, single submitter. Criteria: Invitae Variant Classification Sherloc (09022015). Collection method: clinical testing. Allele origin: germline.
Comment: This sequence change replaces arginine, which is basic and polar, with tryptophan, which is neutral and slightly polar, at codon 1874 of the SCN1A protein (p.Arg1874Trp). This variant is not present in population databases (gnomAD no frequency). This missense change has been observed in individual(s) with clinical features of autosomal dominant SCN1A-related conditions (internal data). ClinVar contains an entry for this variant (Variation ID: 206873). Invitae Evidence Modeling of protein sequence and biophysical properties (such as structural, functional, and spatial information, amino acid conservation, physicochemical variation, residue mobility, and thermodynamic stability) indicates that this missense variant is expected to disrupt SCN1A protein function with a positive predictive value of 95%. This variant disrupts the p.Arg1874 amino acid residue in SCN1A. Other variant(s) that disrupt this residue have been observed in individuals with SCN1A-related conditions (PMID: 31765958; internal data), which suggests that this may be a clinically significant amino acid residue. In summary, the currently available evidence indicates that the variant is pathogenic, but additional data are needed to prove that conclusively. Therefore, this variant has been classified as Likely Pathogenic.

GeneDx
Classification: Likely pathogenic. Last evaluated: 2025-06-06. Review status: criteria provided, single submitter. Criteria: GeneDx Variant Classification Process June 2021. Collection method: clinical testing. Allele origin: germline. Affected: yes.
Comment: Not observed in large population cohorts (gnomAD); In silico analysis supports that this missense variant has a deleterious effect on protein structure/function; Has not been previously published as pathogenic or benign to our knowledge; This substitution is predicted to be within the C-terminal cytoplasmic domain

Cytogénomique, Hospices Civils de Lyon
Classification: Likely pathogenic for Generalized epilepsy with febrile seizures plus, type 2. Review status: no assertion criteria provided. Collection method: clinical testing. Allele origin: maternal. Inheritance: Autosomal dominant inheritance. Affected: yes. Not counted in ClinVar's aggregate classification.

Literature cited by the submitters: PubMed 31765958 (cited by Labcorp Genetics (formerly Invitae), Labcorp).

NM_001165963.4(SCN1A):c.5620C>T (p.Arg1874Trp)

Genes: SCN1A (sodium voltage-gated channel alpha subunit 1; minus strand), LOC102724058 (uncharacterized LOC102724058; plus strand). Cytogenetic location: 2q24.3.
Variant type: single nucleotide variant.
Coding change: c.5620C>T on transcript NM_001165963.4 (MANE Select); coding-DNA position 5620, C replaced by T.
Protein change: p.Arg1874Trp; replaces arginine 1874 with tryptophan.
Molecular consequence: missense variant. On other transcripts: non-coding transcript variant (1).
Genome position (GRCh38, 1-based): chr2:165,991,655, G>A on the plus strand (C>T on the coding strand, the complement: SCN1A is on the minus strand). VCF-style: chr2-165991655-G-A. GRCh37 (hg19) VCF-style: chr2-166848165-G-A.
Other names: c.5536C>T, p.Arg1846Trp (NM_001165964.3, NM_001353957.2, NM_001353958.2); c.5620C>T, p.Arg1874Trp (NM_001202435.3, NM_001353948.2); c.5587C>T, p.Arg1863Trp (NM_001353949.2, NM_001353950.2, NM_001353951.2 and 2 more transcripts); c.5584C>T, p.Arg1862Trp (NM_001353954.2, NM_001353955.2); c.5533C>T, p.Arg1845Trp (NM_001353960.2); c.3178C>T, p.Arg1060Trp (NM_001353961.2); short protein forms R1863W, R1874W, R1846W, R1862W, R1060W, R1845W.
Identifiers: ClinVar variation 206873 (VCV000206873.16), dbSNP rs796053043, ClinGen allele CA317637.
Genomic context (GRCh38, chr2:165,991,655, plus strand): 5'-TGAATCGCTCTTCCATCTGTATTCGTAGAGCATCCATCTCTCCACTCTCTCCTAGAACCC[G>A]CTTTGTAAAAGCAAATAAGATATCAAGACAGTGGATCCGGTCACCACTCACCATGGGCAA-3'
Protein context (NP_001159435.1, residues 1864-1884): CLDILFAFTK[Arg1874Trp]VLGESGEMDA